The following is an entry in ClinVar:

ClinVar aggregate classification (germline): Benign. Review status: criteria provided, multiple submitters, no conflicts (2 of 4 stars). 4 submissions from 4 submitters: Benign (4). Last evaluated 2026-01-31.

Conditions:
Renal tubular dysgenesis. Also called: Renotubular dysgenesis. Identifiers: Orphanet 3033, MedGen C0266313, MONDO:0017609, HP:0008660.

Allele frequency attached by ClinVar (database versions not stated): 1000 Genomes Project 0.01178; 1000 Genomes Project 30x 0.01187; TOPMed 0.02176; ESP Exome Variant Server 0.02383; ExAC 0.02400; gnomAD 0.02545 and 0.02561; gnomAD exomes 0.02719 and 0.03461.
gnomAD v4.1: 51,866 of 1,548,442 alleles (3.3%); highest among the groups gnomAD compares: Non-Finnish European, 3.8%; 1,024 homozygotes.

Submissions (4):

Labcorp Genetics (formerly Invitae), Labcorp
Classification: Benign. Last evaluated: 2026-01-31. Review status: criteria provided, single submitter. Criteria: Invitae Variant Classification Sherloc (09022015). Collection method: clinical testing. Allele origin: germline.

Mayo Clinic Laboratories, Mayo Clinic
Classification: Benign. Last evaluated: 2022-03-09. Review status: criteria provided, single submitter. Criteria: ACMG Guidelines, 2015. Collection method: clinical testing. Allele origin: germline. Observed: 5 variant alleles.

Illumina Laboratory Services, Illumina
Classification: Benign for Renal tubular dysgenesis of genetic origin. Last evaluated: 2018-01-13. Review status: criteria provided, single submitter. Criteria: ICSL Variant Classification Criteria 13 December 2019. Collection method: clinical testing. Allele origin: germline.
Comment: This variant was observed in the ICSL laboratory as part of a predisposition screen in an ostensibly healthy population. It had not been previously curated by ICSL or reported in the Human Gene Mutation Database (HGMD: prior to June 1st, 2018), and was therefore a candidate for classification through an automated scoring system. Utilizing variant allele frequency, disease prevalence and penetrance estimates, and inheritance mode, an automated score was calculated to assess if this variant is too frequent to cause the disease. Based on the score and internal cut-off values, a variant classified as benign is not then subjected to further curation. The score for this variant resulted in a classification of benign for this disease.

Breakthrough Genomics
Classification: Benign. Review status: criteria provided, single submitter. Criteria: ACMG Guidelines, 2015. Collection method: not provided. Allele origin: germline. Inheritance: Autosomal recessive inheritance. Affected: yes.

NM_000789.4(ACE):c.3906G>A (p.Glu1302=)

Gene: ACE (angiotensin I converting enzyme; plus strand). Cytogenetic location: 17q23.3.
Variant type: single nucleotide variant.
Coding change: c.3906G>A on transcript NM_000789.4 (MANE Select); coding-DNA position 3906, G replaced by A.
Protein change: p.Glu1302=; no amino-acid change (glutamic acid 1302 retained).
Molecular consequence: synonymous variant.
Genome position (GRCh38, 1-based): chr17:63,497,351, G>A. VCF-style: chr17-63497351-G-A. GRCh37 (hg19) VCF-style: chr17-61574712-G-A.
Other names: p.Glu1302=; c.2061G>A, p.Glu687= (NM_001178057.2); c.2184G>A, p.Glu728= (NM_152830.3).
Identifiers: ClinVar variation 324423 (VCV000324423.15), dbSNP rs4365, ClinGen allele CA8700687.